The following is an entry in ClinVar:

ClinVar aggregate classification (germline): Uncertain significance (1 of 4 stars; one submission).

Submission:

Labcorp Genetics (formerly Invitae), Labcorp
Classification: Uncertain significance. Last evaluated: 2022-07-12. Review status: criteria provided, single submitter. Criteria: Invitae Variant Classification Sherloc (09022015). Collection method: clinical testing. Allele origin: germline.
Comment: In summary, the available evidence is currently insufficient to determine the role of this variant in disease. Therefore, it has been classified as a Variant of Uncertain Significance. Experimental studies and prediction algorithms are not available or were not evaluated, and the functional significance of this variant is currently unknown. This variant has not been reported in the literature in individuals affected with IMPG1-related conditions. This variant is a gross deletion of the genomic region encompassing exon(s) 16 of the IMPG1 gene. While this deletion is not anticipated to lead to nonsense mediated decay, it is expected to disrupt the C-terminus of the protein.

NC_000006.11:g.(?_76633331)_(76633443_?)del

Gene: IMPG1 (interphotoreceptor matrix proteoglycan 1; minus strand). Cytogenetic location: 6q14.1.
Variant type: Deletion.
Identifiers: ClinVar variation 2424200 (VCV002424200.4).